The following is an entry in ClinVar:

ClinVar aggregate classification (germline): Uncertain significance. Review status: criteria provided, multiple submitters, no conflicts (2 of 4 stars). 2 submissions from 2 submitters: Uncertain significance (2). Last evaluated 2025-10-12.

Conditions:
Autosomal recessive limb-girdle muscular dystrophy type 2W (MDRCMTT). Also called: Muscular dystrophy, limb-girdle, type 2W; Muscular dystrophy, autosomal recessive, with cardiomyopathy and triangular tongue. Identifiers: MedGen C4225192, MONDO:0014788, OMIM 616827.

Allele frequency attached by ClinVar (database versions not stated): gnomAD 0.00001; TOPMed 0.00004.
gnomAD v4.1: 21 of 1,613,406 alleles (0.0013%); highest among the groups gnomAD compares: Admixed American, 0.033%; no homozygotes.

Submissions (2):

Labcorp Genetics (formerly Invitae), Labcorp
Classification: Uncertain significance for Autosomal recessive limb-girdle muscular dystrophy type 2W. Last evaluated: 2025-10-12. Review status: criteria provided, single submitter. Criteria: Invitae Variant Classification Sherloc (09022015). Collection method: clinical testing. Allele origin: germline.
Comment: This sequence change replaces phenylalanine, which is neutral and non-polar, with leucine, which is neutral and non-polar, at codon 244 of the LIMS2 protein (p.Phe244Leu). This variant is present in population databases (rs773297178, gnomAD 0.05%). This variant has not been reported in the literature in individuals affected with LIMS2-related conditions. ClinVar contains an entry for this variant (Variation ID: 2420861). Invitae Evidence Modeling of protein sequence and biophysical properties (such as structural, functional, and spatial information, amino acid conservation, physicochemical variation, residue mobility, and thermodynamic stability) indicates that this missense variant is expected to disrupt LIMS2 protein function with a positive predictive value of 80%. In summary, the available evidence is currently insufficient to determine the role of this variant in disease. Therefore, it has been classified as a Variant of Uncertain Significance.

Ambry Genetics
Classification: Uncertain significance. Last evaluated: 2025-08-12. Review status: criteria provided, single submitter. Criteria: Ambry Variant Classification Scheme 2023. Collection method: clinical testing. Allele origin: germline.

NM_001161403.3(LIMS2):c.666T>G (p.Phe222Leu)

Gene: LIMS2 (LIM zinc finger domain containing 2; minus strand). Cytogenetic location: 2q14.3.
Variant type: single nucleotide variant.
Coding change: c.666T>G on transcript NM_001161403.3 (MANE Select); coding-DNA position 666, T replaced by G.
Protein change: p.Phe222Leu; replaces phenylalanine 222 with leucine.
Molecular consequence: missense variant.
Genome position (GRCh38, 1-based): chr2:127,640,983, A>C on the plus strand (T>G on the coding strand, the complement: LIMS2 is on the minus strand). VCF-style: chr2-127640983-A-C. GRCh37 (hg19) VCF-style: chr2-128398558-A-C.
Other names: c.732T>G, p.Phe244Leu (NM_001136037.4); c.651T>G, p.Phe217Leu (NM_001161404.2); c.210T>G, p.Phe70Leu (NM_001161405.1, NM_001256542.2); c.738T>G, p.Phe246Leu (NM_017980.5); c.738T>G (NM_017980.4); short protein forms F217L, F222L, F244L, F246L, F70L.
Identifiers: ClinVar variation 2420861 (VCV002420861.6), dbSNP rs773297178, ClinGen allele CA1862930.
Genomic context (GRCh38, chr2:127,640,983, plus strand): 5'-CAGGCCCTTCTTCTCATAGTGCCGGTGCCCCAGGAATGGCTTCTCACACTTGGCACAGAC[A>C]AAGTGCTGCAAGGACAAAGGGCGGGCCGGGTGGCATCAGGGCTAGAGCGGTGACCCCGAG-3'
Protein context (NP_001154875.1, residues 212-232): ALGKQWHVEH[Phe222Leu]VCAKCEKPFL